The following is an entry in ClinVar:

ClinVar aggregate classification (germline): Benign. Review status: criteria provided, multiple submitters, no conflicts (2 of 4 stars). 3 submissions from 3 submitters: Benign (2). 1 of the submissions does not count toward it. Last evaluated 2020-07-17.

Conditions:
RERE-related disorder. Also called: RERE-Related Disorders; RERE-related condition. Identifiers: MedGen CN381537.

Allele frequency attached by ClinVar (database versions not stated): gnomAD exomes 0.00678; ESP Exome Variant Server 0.01856; ExAC 0.01930; gnomAD 0.02542 and 0.02713; TOPMed 0.02885; 1000 Genomes Project 0.03235; 1000 Genomes Project 30x 0.03498.
gnomAD v4.1: 7,187 of 1,494,174 alleles (0.48%); highest among the groups gnomAD compares: African/African-American, 8.9%; 310 homozygotes.

Submissions (3):

GeneDx
Classification: Benign. Last evaluated: 2020-07-17. Review status: criteria provided, single submitter. Criteria: GeneDx Variant Classification Process June 2021. Collection method: clinical testing. Allele origin: germline. Affected: yes.

Breakthrough Genomics
Classification: Benign. Review status: criteria provided, single submitter. Criteria: ACMG Guidelines, 2015. Collection method: not provided. Allele origin: germline. Inheritance: Autosomal dominant inheritance. Affected: yes.

PreventionGenetics, part of Exact Sciences
Classification: Benign for RERE-related condition. Last evaluated: 2019-03-26. Review status: no assertion criteria provided. Collection method: clinical testing. Allele origin: germline. Not counted in ClinVar's aggregate classification.
Comment: This variant is classified as benign based on ACMG/AMP sequence variant interpretation guidelines (Richards et al. 2015 PMID: 25741868, with internal and published modifications).

NM_001042681.2(RERE):c.2601C>T (p.Gly867=)

Gene: RERE (arginine-glutamic acid dipeptide repeats; minus strand). Cytogenetic location: 1p36.23.
Variant type: single nucleotide variant.
Coding change: c.2601C>T on transcript NM_001042681.2 (MANE Select); coding-DNA position 2601, C replaced by T.
Protein change: p.Gly867=; no amino-acid change (glycine 867 retained).
Molecular consequence: synonymous variant.
Genome position (GRCh38, 1-based): chr1:8,360,906, G>A on the plus strand (C>T on the coding strand, the complement: RERE is on the minus strand). VCF-style: chr1-8360906-G-A. GRCh37 (hg19) VCF-style: chr1-8420966-G-A.
Other names: c.939C>T, p.Gly313= (NM_001042682.2); c.2601C>T, p.Gly867= (NM_012102.4).
Identifiers: ClinVar variation 1230796 (VCV001230796.6), dbSNP rs77608355, ClinGen allele CA571340.